The following is an entry in ClinVar:

NM_002541.4(OGDH):c.1829C>T (p.Thr610Met)

Gene: OGDH (oxoglutarate dehydrogenase; plus strand). Cytogenetic location: 7p13.
Variant type: single nucleotide variant.
Coding change: c.1829C>T on transcript NM_002541.4 (MANE Select); coding-DNA position 1829, C replaced by T.
Protein change: p.Thr610Met; replaces threonine 610 with methionine.
Molecular consequence: missense variant.
Genome position (GRCh38, 1-based): chr7:44,696,486, C>T. VCF-style: chr7-44696486-C-T. GRCh37 (hg19) VCF-style: chr7-44736085-C-T.
Other names: c.1817C>T, p.Thr606Met (NM_001165036.2); c.1862C>T, p.Thr621Met (NM_001363523.2); short protein forms T606M, T610M, T621M.
Identifiers: ClinVar variation 665016 (VCV000665016.8), dbSNP rs746947310, ClinGen allele CA4243943.

ClinVar aggregate classification (germline): Uncertain significance. Review status: criteria provided, multiple submitters, no conflicts (2 of 4 stars). 2 submissions from 2 submitters: Uncertain significance (2). Last evaluated 2025-02-02.

Conditions:
Oxoglutaricaciduria. Identifiers: Orphanet 31, MedGen C2752074, MONDO:0008759, OMIM 203740.

Allele frequency attached by ClinVar (database versions not stated): gnomAD exomes 0.00001 and 0.00002; ExAC 0.00002; TOPMed 0.00002; gnomAD 0.00003.
gnomAD v4.1: 25 of 1,614,068 alleles (0.0015%); highest among the groups gnomAD compares: Admixed American, 0.005%; no homozygotes.

Submissions (2):

Ambry Genetics
Classification: Uncertain significance. Last evaluated: 2025-02-02. Review status: criteria provided, single submitter. Criteria: Ambry Variant Classification Scheme 2023. Collection method: clinical testing. Allele origin: germline.

Labcorp Genetics (formerly Invitae), Labcorp
Classification: Uncertain significance for Oxoglutaricaciduria. Last evaluated: 2018-09-10. Review status: criteria provided, single submitter. Criteria: Invitae Variant Classification Sherloc (09022015). Collection method: clinical testing. Allele origin: germline.
Comment: In summary, the available evidence is currently insufficient to determine the role of this variant in disease. Therefore, it has been classified as a Variant of Uncertain Significance. Algorithms developed to predict the effect of missense changes on protein structure and function are either unavailable or do not agree on the potential impact of this missense change (SIFT: "Tolerated"; PolyPhen-2: "Benign"; Align-GVGD: "Class C0"). This variant has not been reported in the literature in individuals with OGDH-related disease. This variant is present in population databases (rs746947310, ExAC 0.01%). This sequence change replaces threonine with methionine at codon 610 of the OGDH protein (p.Thr610Met). The threonine residue is weakly conserved and there is a moderate physicochemical difference between threonine and methionine.